The following is an entry in ClinVar:

NM_000093.5(COL5A1):c.1828-1G>A

Gene: COL5A1 (collagen type V alpha 1 chain; plus strand). Cytogenetic location: 9q34.3.
Variant type: single nucleotide variant.
Coding change: c.1828-1G>A on transcript NM_000093.5 (MANE Select); the canonical splice acceptor site of the intron before coding-DNA position 1828, G replaced by A.
Molecular consequence: splice acceptor variant.
Genome position (GRCh38, 1-based): chr9:134,756,764, G>A. VCF-style: chr9-134756764-G-A. GRCh37 (hg19) VCF-style: chr9-137648610-G-A.
Other names: c.1828-1G>A (NM_001278074.1).
Identifiers: ClinVar variation 4005422 (VCV004005422.1).

ClinVar aggregate classification (germline): Likely pathogenic (1 of 4 stars; one submission).

Conditions:
Familial thoracic aortic aneurysm and aortic dissection (TAAD). Also called: Thoracic aortic aneurysms and dissections. Identifiers: Orphanet 91387, MedGen C4707243, MONDO:0019625.

Submission:

Ambry Genetics
Classification: Likely pathogenic for Familial thoracic aortic aneurysm and aortic dissection. Last evaluated: 2025-03-26. Review status: criteria provided, single submitter. Criteria: Ambry Variant Classification Scheme 2023. Collection method: clinical testing. Allele origin: germline.
Comment: The c.1828-1G>A intronic variant results from a G to A substitution one nucleotide before coding exon 17 of the COL5A1 gene. This variant is considered to be rare based on population cohorts in the Genome Aggregation Database (gnomAD). This nucleotide position is highly conserved in available vertebrate species. In silico splice site analysis predicts that this alteration will weaken the native splice acceptor site and will result in the creation or strengthening of a novel splice acceptor site. Alterations that disrupt the canonical splice site are expected to cause aberrant splicing, resulting in an abnormal protein or a transcript that is subject to nonsense-mediated mRNA decay. As such, this alteration is classified as likely pathogenic.